The following is an entry in ClinVar:

ClinVar aggregate classification (germline): Benign/Likely benign. Review status: criteria provided, multiple submitters, no conflicts (2 of 4 stars). 16 submissions from 15 submitters: Benign (8); Likely benign (6). 2 of the submissions do not count toward it. Last evaluated 2026-07-01.

Conditions:
Connective tissue disorder. Also called: Connective tissue disease. Identifiers: MedGen C0009782, MONDO:0003900.
Nephronophthisis. Also called: Juvenile Nephronophthisis. Identifiers: Orphanet 655, MedGen C0687120, MONDO:0019005, HP:0000090.
Jeune thoracic dystrophy. Also called: Jeune syndrome; Infantile thoracic dystrophy; Thoracic pelvic phalangeal dystrophy; Jeune's syndrome; Chondroectodermal dysplasia-like syndrome; Short-rib thoracic dysplasia. Identifiers: Orphanet 474, MedGen C0265275, MONDO:0018770.
Joubert syndrome 1 (JBTS1). Also called: Cerebellooculorenal syndrome 1; CEREBELLOPARENCHYMAL DISORDER IV. Identifiers: MedGen C4551568, MONDO:0008944, OMIM 213300.
Nephronophthisis 12 (NPHP12). Identifiers: Orphanet 655, MedGen C3151186, MONDO:0013442, OMIM 613820.
Asphyxiating thoracic dystrophy 4 (SRTD4). Also called: SHORT-RIB THORACIC DYSPLASIA 4 WITH OR WITHOUT POLYDACTYLY; SHORT-RIB THORACIC DYSPLASIA 4. Identifiers: Orphanet 474, MedGen C3151185, MONDO:0013441, OMIM 613819.

Allele frequency attached by ClinVar (database versions not stated): TOPMed 0.00430; ESP Exome Variant Server 0.00484; 1000 Genomes Project 0.00499; 1000 Genomes Project 30x 0.00515; gnomAD 0.00575 and 0.00585; gnomAD exomes 0.00655 and 0.00732; ExAC 0.00712.
gnomAD v4.1: 10,377 of 1,607,380 alleles (0.65%); highest among the groups gnomAD compares: East Asian, 2.3%; 49 homozygotes.

Submissions (16):

CeGaT Center for Human Genetics Tuebingen
Classification: Likely benign. Last evaluated: 2026-07-01. Review status: criteria provided, single submitter. Criteria: CeGaT Center For Human Genetics Tuebingen Variant Classification Criteria Version 2. Collection method: clinical testing. Allele origin: germline. Affected: yes. Observed: 6 variant alleles.
Comment: TTC21B: BP4

Labcorp Genetics (formerly Invitae), Labcorp
Classification: Benign for Jeune thoracic dystrophy; Nephronophthisis. Last evaluated: 2026-02-03. Review status: criteria provided, single submitter. Criteria: Invitae Variant Classification Sherloc (09022015). Collection method: clinical testing. Allele origin: germline.

Blueprint Genetics
Classification: Likely benign. Last evaluated: 2024-11-21. Review status: criteria provided, single submitter. Criteria: ACMG Guidelines, 2015. Collection method: clinical testing. Allele origin: germline.

ARUP Laboratories, Molecular Genetics and Genomics, ARUP Laboratories
Classification: Benign. Last evaluated: 2024-06-18. Review status: criteria provided, single submitter. Criteria: ARUP Molecular Germline Variant Investigation Process 2024. Collection method: clinical testing. Allele origin: germline.

Genomic Medicine Center of Excellence, King Faisal Specialist Hospital and Research Centre
Classification: Benign for Nephronophthisis 12. Last evaluated: 2024-03-14. Review status: criteria provided, single submitter. Criteria: ACMG Guidelines, 2015. Collection method: clinical testing. Allele origin: germline.

Fulgent Genetics
Classification: Benign for Asphyxiating thoracic dystrophy 4; Nephronophthisis 12. Last evaluated: 2022-04-06. Review status: criteria provided, single submitter. Criteria: ACMG Guidelines, 2015. Collection method: clinical testing. Allele origin: unknown.

Genome Diagnostics Laboratory, The Hospital for Sick Children
Classification: Benign for Connective tissue disorder. Last evaluated: 2022-02-24. Review status: criteria provided, single submitter. Criteria: ACMG Guidelines, 2015. Collection method: clinical testing. Allele origin: germline.

GeneDx
Classification: Benign. Last evaluated: 2019-06-12. Review status: criteria provided, single submitter. Criteria: GeneDx Variant Classification Process June 2021. Collection method: clinical testing. Allele origin: germline. Affected: yes.
Comment: This variant is associated with the following publications: (PMID: 21258341, 31180159)

Mendelics
Classification: Benign for Joubert syndrome 1. Last evaluated: 2019-05-28. Review status: criteria provided, single submitter. Criteria: Mendelics Assertion Criteria 2017. Collection method: clinical testing. Allele origin: unknown.

Illumina Laboratory Services, Illumina
Classification: Likely benign for Nephronophthisis 12. Last evaluated: 2017-04-27. Review status: criteria provided, single submitter. Criteria: ICSL Variant Classification Criteria 13 December 2019. Collection method: clinical testing. Allele origin: germline.
Comment: This variant was observed as part of a predisposition screen in an ostensibly healthy population. A literature search was performed for the gene, cDNA change, and amino acid change (where applicable). No publications were found based on this search. Allele frequency data from public databases allowed determination this variant is unlikely to cause disease. Therefore, this variant is classified as likely benign.

Illumina Laboratory Services, Illumina
Classification: Likely benign for Asphyxiating thoracic dystrophy 4. Last evaluated: 2017-04-27. Review status: criteria provided, single submitter. Criteria: ICSL Variant Classification Criteria 13 December 2019. Collection method: clinical testing. Allele origin: germline.
Comment: This variant was observed as part of a predisposition screen in an ostensibly healthy population. A literature search was performed for the gene, cDNA change, and amino acid change (where applicable). Publications were found based on this search. The evidence from the literature, in combination with allele frequency data from public databases where available, was sufficient to determine this variant is unlikely to cause disease. Therefore, this variant is classified as likely benign.

Genomic Diagnostic Laboratory, Division of Genomic Diagnostics, Children's Hospital of Philadelphia
Classification: Benign. Last evaluated: 2015-09-23. Review status: criteria provided, single submitter. Criteria: DGD Variant Analysis Guidelines. Collection method: clinical testing. Allele origin: unknown.

Breakthrough Genomics
Classification: Likely benign. Review status: criteria provided, single submitter. Criteria: ACMG Guidelines, 2015. Collection method: not provided. Allele origin: germline. Inheritance: Autosomal recessive inheritance. Affected: yes.

PreventionGenetics, part of Exact Sciences
Classification: Likely benign. Review status: criteria provided, single submitter. Criteria: ACMG Guidelines, 2015. Collection method: clinical testing. Allele origin: germline.

Genome Diagnostics Laboratory, University Medical Center Utrecht
Classification: Benign. Review status: no assertion criteria provided. Collection method: clinical testing. Allele origin: germline. Affected: yes. Study: VKGL Data-share Consensus. Not counted in ClinVar's aggregate classification.

Laboratory of Diagnostic Genome Analysis, Leiden University Medical Center (LUMC)
Classification: Likely benign. Review status: no assertion criteria provided. Collection method: clinical testing. Allele origin: germline. Affected: yes. Study: VKGL Data-share Consensus. Not counted in ClinVar's aggregate classification.

Literature cited by the submitters: PubMed 21258341 (cited by Illumina Laboratory Services, Illumina).

NM_024753.5(TTC21B):c.2322+3A>G

Gene: TTC21B (tetratricopeptide repeat domain 21B; minus strand). Cytogenetic location: 2q24.3.
Variant type: single nucleotide variant.
Coding change: c.2322+3A>G on transcript NM_024753.5 (MANE Select); 3 bases into the intron after coding-DNA position 2322, A replaced by G.
Molecular consequence: intron variant.
Genome position (GRCh38, 1-based): chr2:165,912,511, T>C on the plus strand (A>G on the coding strand, the complement: TTC21B is on the minus strand). VCF-style: chr2-165912511-T-C. GRCh37 (hg19) VCF-style: chr2-166769021-T-C.
Identifiers: ClinVar variation 220095 (VCV000220095.61), dbSNP rs79037278, ClinGen allele CA349127.